The following is an entry in ClinVar:

NM_001195263.2(PDZD7):c.1387C>T (p.Arg463Cys)

Gene: PDZD7 (PDZ domain containing 7; minus strand). Cytogenetic location: 10q24.31.
Variant type: single nucleotide variant.
Coding change: c.1387C>T on transcript NM_001195263.2 (MANE Select); coding-DNA position 1387, C replaced by T.
Protein change: p.Arg463Cys; replaces arginine 463 with cysteine.
Molecular consequence: missense variant.
Genome position (GRCh38, 1-based): chr10:101,018,234, G>A on the plus strand (C>T on the coding strand, the complement: PDZD7 is on the minus strand). VCF-style: chr10-101018234-G-A. GRCh37 (hg19) VCF-style: chr10-102777991-G-A.
Other names: c.1415C>T, p.Ala472Val (NM_001351044.2); c.1387C>T, p.Arg463Cys (NM_024895.5); short protein forms A472V, R463C.
Identifiers: ClinVar variation 942583 (VCV000942583.9), dbSNP rs766170998, ClinGen allele CA5654097.

ClinVar aggregate classification (germline): Uncertain significance (1 of 4 stars; one submission).

Allele frequency attached by ClinVar (database versions not stated): gnomAD exomes below 0.00001; ExAC 0.00001; TOPMed 0.00001.

Submission:

Labcorp Genetics (formerly Invitae), Labcorp
Classification: Uncertain significance. Last evaluated: 2025-04-08. Review status: criteria provided, single submitter. Criteria: Invitae Variant Classification Sherloc (09022015). Collection method: clinical testing. Allele origin: germline.
Comment: This sequence change replaces arginine, which is basic and polar, with cysteine, which is neutral and slightly polar, at codon 463 of the PDZD7 protein (p.Arg463Cys). This variant is present in population databases (rs766170998, gnomAD 0.0009%). This variant has not been reported in the literature in individuals affected with PDZD7-related conditions. ClinVar contains an entry for this variant (Variation ID: 942583). Invitae Evidence Modeling of protein sequence and biophysical properties (such as structural, functional, and spatial information, amino acid conservation, physicochemical variation, residue mobility, and thermodynamic stability) has been performed for this missense variant. However, the output from this modeling did not meet the statistical confidence thresholds required to predict the impact of this variant on PDZD7 protein function. In summary, the available evidence is currently insufficient to determine the role of this variant in disease. Therefore, it has been classified as a Variant of Uncertain Significance.